The following is an entry in ClinVar:

ClinVar aggregate classification (germline): Uncertain significance (1 of 4 stars; one submission).

Conditions:
Deficiency of acetyl-CoA acetyltransferase. Also called: Beta-ketothiolase deficiency; 3-KETOTHIOLASE DEFICIENCY; 3-OXOTHIOLASE DEFICIENCY; MITOCHONDRIAL ACETOACETYL-CoA THIOLASE DEFICIENCY. Identifiers: Orphanet 134, MedGen C1536500, MONDO:0008760, OMIM 203750. Disease mechanism: loss of function.

Submission:

Myriad Genetics, Inc.
Classification: Uncertain significance for Deficiency of acetyl-CoA acetyltransferase. Last evaluated: 2026-07-28. Review status: criteria provided, single submitter. Criteria: Myriad Autosomal Dominant, Autosomal Recessive and X-Linked Classification Criteria (2023). Collection method: clinical testing. Allele origin: unknown.
Comment: NM_000019.3(ACAT1):c.1255_1259del5ins4(A419Pfs*5) is a frameshift variant classified as a variant of uncertain significance in the context of beta-ketothiolase deficiency. A419Pfs*5 has not been observed in cases with relevant disease. Relevant functional assessments of this variant are not available in the literature. A419Pfs*5 has not been observed in referenced population frequency databases. In summary, there is insufficient evidence to classify NM_000019.3(ACAT1):c.1255_1259del5ins4(A419Pfs*5) as pathogenic or benign. Please note: this variant was assessed in the context of healthy population screening.

NM_000019.4(ACAT1):c.1255_1259delinsCCTT (p.Ala419fs)

Gene: ACAT1 (acetyl-CoA acetyltransferase 1; plus strand). Cytogenetic location: 11q22.3.
Variant type: Indel.
Coding change: c.1255_1259delinsCCTT on transcript NM_000019.4 (MANE Select); coding-DNA positions 1255 to 1259, GCTTC replaced by CCTT.
Protein change: p.Ala419fs; shifts the reading frame from alanine 419.
Molecular consequence: frameshift variant. On other transcripts: non-coding transcript variant (2).
Genome position (GRCh38, 1-based): chr11:108,147,361-108,147,365, GCTTC replaced by CCTT. VCF-style: chr11-108147361-GCTTC-CCTT. GRCh37 (hg19) VCF-style: chr11-108018088-GCTTC-CCTT.
Other names: c.1276_1280delinsCCTT, p.Ala426fs (NM_001386677.1); c.940_944delinsCCTT, p.Ala314fs (NM_001386678.1); c.958_962delinsCCTT, p.Ala320fs (NM_001386679.1); c.985_989delinsCCTT, p.Ala329fs (NM_001386681.1, NM_001386682.1, NM_001386685.1 and 6 more transcripts); short protein forms A419fs, A314fs, A426fs, A320fs, A329fs.
Identifiers: ClinVar variation 5003942 (VCV005003942.1).